The following is an entry in ClinVar:

ClinVar aggregate classification (germline): Likely pathogenic. Review status: criteria provided, multiple submitters, no conflicts (2 of 4 stars). 6 submissions from 6 submitters: Likely pathogenic (4). 2 of the submissions do not count toward it. Last evaluated 2025-09-01.

Conditions:
Cardiovascular phenotype. Identifiers: MedGen CN230736.
Hereditary cancer-predisposing syndrome. Also called: Hereditary Cancer Syndrome; Hereditary neoplastic syndrome; Neoplastic Syndromes, Hereditary; Tumor predisposition. Identifiers: Orphanet 140162, MedGen C0027672, MeSH D009386, MONDO:0015356.
LZTR1-related disorder. Also called: LZTR1-related disorders; LZTR1-related condition.
LZTR1-related schwannomatosis. Also called: Schwannomatosis 2; Schwannomatosis-2, susceptibility to. Identifiers: Orphanet 93921, MedGen C3810283, MONDO:0014299, OMIM 615670.

Allele frequency attached by ClinVar (database versions not stated): TOPMed 0.00001.
gnomAD v4.1: 3 of 1,611,768 alleles (0.00019%); highest among the groups gnomAD compares: Middle Eastern, 0.016%; no homozygotes.

Submissions (6):

Labcorp Genetics (formerly Invitae), Labcorp
Classification: Likely pathogenic. Last evaluated: 2025-09-01. Review status: criteria provided, single submitter. Criteria: Invitae Variant Classification Sherloc (09022015). Collection method: clinical testing. Allele origin: germline.
Comment: This sequence change affects a donor splice site in intron 12 of the LZTR1 gene. It is expected to disrupt RNA splicing. Variants that disrupt the donor or acceptor splice site typically lead to a loss of protein function (PMID: 16199547), and loss-of-function variants in LZTR1 are known to be pathogenic (PMID: 24362817, 25335493, 25480913, 25795793, 29469822, 30368668, 30442762, 30442766, 30481304, 30859559). This variant is not present in population databases (gnomAD no frequency). Disruption of this splice site has been observed in individual(s) with Schwannomatosis (PMID: 25480913). ClinVar contains an entry for this variant (Variation ID: 1770636). Algorithms developed to predict the effect of sequence changes on RNA splicing suggest that this variant may disrupt the consensus splice site. In summary, the currently available evidence indicates that the variant is pathogenic, but additional data are needed to prove that conclusively. Therefore, this variant has been classified as Likely Pathogenic.

Ambry Genetics
Classification: Likely pathogenic for Cardiovascular phenotype; Hereditary cancer-predisposing syndrome. Last evaluated: 2025-07-07. Review status: criteria provided, single submitter. Criteria: Ambry Variant Classification Scheme 2023. Collection method: clinical testing. Allele origin: germline.
Comment: The c.1353+1G>T intronic variant results from a G to T substitution one nucleotide after coding exon 12 of the LZTR1 gene. This nucleotide position is highly conserved in available vertebrate species. In silico splice site analysis predicts that this alteration will weaken the native splice donor site. RNA studies have demonstrated that this alteration results in abnormal splicing in the set of samples tested (Ambry internal data). Loss-of-function variants in LZTR1 are related to an increased risk for schwannomas and autosomal recessive Noonan syndrome; however, such associations with autosomal dominant Noonan syndrome have not been observed (Piotrowski A et al. Nat Genet. 2014 Feb;46:182-7; Yamamoto GL et al. J Med Genet. 2015 Jun;52:413-21; Johnston JJ et al. Genet Med. 2018 10;20:1175-1185). Based on the supporting evidence, this variant is likely pathogenic for an increased risk of LZTR1-related schwannomatosis (SWN) and would be expected to cause autosomal recessive Noonan syndrome when present along with a second pathogenic or likely pathogenic variant on the other allele; however, the association of this alteration with autosomal dominant Noonan syndrome is unlikely.

GeneDx
Classification: Likely pathogenic. Last evaluated: 2025-04-28. Review status: criteria provided, single submitter. Criteria: GeneDx Variant Classification Process June 2021. Collection method: clinical testing. Allele origin: germline. Affected: yes.
Comment: Canonical splice site variant predicted to result in an in-frame loss of the adjacent exon in a gene for which loss of function is a known mechanism of disease; Not observed at significant frequency in large population cohorts (gnomAD); Observed in a patient with retinal dystrophy in published literature (PMID: 36011402); This variant is associated with the following publications: (PMID: 25480913, 25795793, 25335493, 30859559, 24362817, 30442766, 30442762, 29469822, 30481304, 36011402)

Genetics and Molecular Pathology, SA Pathology
Classification: Likely pathogenic for LZTR1-related schwannomatosis. Last evaluated: 2022-11-01. Review status: criteria provided, single submitter. Criteria: ACMG Guidelines, 2015. Collection method: clinical testing. Allele origin: germline. Inheritance: Autosomal dominant inheritance. Affected: yes.
Comment: The LZTR1 c.1353+1G>T variant is classified as Likely Pathogenic (PVS1, PM2) The LZTR1 c.1353+1G>T variant is located in a splice donor region. Computational predictions support a deleterious effect on splicing and a likely disruption of the protein reading frame and non-sense mediated decay of the resulting protein product (PVS1). The variant is rare in population databases (gnomAD allele frequency = 0.00065%; 1 het and 0 hom in 152232 sequenced alleles; highest frequency = 0.0014%, Non-Finnish European population) (PM2). The variant has been reported in dbSNP (rs1170363408). It has not been reported in ClinVar or HGMD. This variant has not been reported in the scientific literature to date.

PreventionGenetics, part of Exact Sciences
Classification: Likely pathogenic for LZTR1-related condition. Last evaluated: 2024-09-24. Review status: no assertion criteria provided. Collection method: clinical testing. Allele origin: germline. Not counted in ClinVar's aggregate classification.
Comment: The LZTR1 c.1353+1G>T variant is predicted to disrupt the GT donor site and interfere with normal splicing. To our knowledge, this variant has not been reported in the literature in a patient with a LZTR1 related disorder. This variant has not been reported in a large population database, indicating this variant is rare. Variants that disrupt the consensus splice donor site in LZTR1 are expected to be pathogenic. This variant is interpreted as likely pathogenic.

Baylor Genetics
Classification: Uncertain significance for LZTR1-related schwannomatosis. Last evaluated: 2024-02-23. Review status: flagged submission. Criteria: ACMG Guidelines, 2015. Collection method: clinical testing. Allele origin: unknown. Not counted in ClinVar's aggregate classification.
ClinVar note: Reason: Outlier claim with insufficient supporting evidence

Literature cited by the submitters: PubMed 16199547 (cited by Labcorp Genetics (formerly Invitae), Labcorp); PubMed 24362817 (cited by Labcorp Genetics (formerly Invitae), Labcorp); PubMed 25335493 (cited by Labcorp Genetics (formerly Invitae), Labcorp); PubMed 25480913 (cited by Labcorp Genetics (formerly Invitae), Labcorp and Genetics and Molecular Pathology, SA Pathology); PubMed 25795793 (cited by Labcorp Genetics (formerly Invitae), Labcorp); PubMed 29469822 (cited by Labcorp Genetics (formerly Invitae), Labcorp); PubMed 30368668 (cited by Labcorp Genetics (formerly Invitae), Labcorp); PubMed 30442762 (cited by Labcorp Genetics (formerly Invitae), Labcorp); PubMed 30442766 (cited by Labcorp Genetics (formerly Invitae), Labcorp); PubMed 30481304 (cited by Labcorp Genetics (formerly Invitae), Labcorp); PubMed 30859559 (cited by Labcorp Genetics (formerly Invitae), Labcorp).

NM_006767.4(LZTR1):c.1353+1G>T

Gene: LZTR1 (leucine zipper like post translational regulator 1; plus strand). Cytogenetic location: 22q11.21.
Variant type: single nucleotide variant.
Coding change: c.1353+1G>T on transcript NM_006767.4 (MANE Select); the canonical splice donor site of the intron after coding-DNA position 1353, G replaced by T.
Molecular consequence: splice donor variant.
Genome position (GRCh38, 1-based): chr22:20,993,755, G>T. VCF-style: chr22-20993755-G-T. GRCh37 (hg19) VCF-style: chr22-21348044-G-T.
Identifiers: ClinVar variation 1770636 (VCV001770636.11), dbSNP rs1170363408, ClinGen allele CA410774802.